The following is an entry in ClinVar:

ClinVar aggregate classification (germline): Uncertain significance (1 of 4 stars; one submission).

Submission:

GeneDx
Classification: Uncertain significance. Last evaluated: 2022-08-08. Review status: criteria provided, single submitter. Criteria: GeneDx Variant Classification Process June 2021. Collection method: clinical testing. Allele origin: germline. Affected: yes.
Comment: Not observed at significant frequency in large population cohorts (gnomAD); In silico analysis supports that this missense variant has a deleterious effect on protein structure/function; Has not been previously published as pathogenic or benign to our knowledge

NM_004463.3(FGD1):c.1367T>A (p.Ile456Asn)

Gene: FGD1 (FYVE, RhoGEF and PH domain containing 1; minus strand). Cytogenetic location: Xp11.22.
Variant type: single nucleotide variant.
Coding change: c.1367T>A on transcript NM_004463.3 (MANE Select); coding-DNA position 1367, T replaced by A.
Protein change: p.Ile456Asn; replaces isoleucine 456 with asparagine.
Molecular consequence: missense variant.
Genome position (GRCh38, 1-based): chrX:54,465,826, A>T on the plus strand (T>A on the coding strand, the complement: FGD1 is on the minus strand). VCF-style: chrX-54465826-A-T. GRCh37 (hg19) VCF-style: chrX-54492259-A-T.
Other names: short protein forms I456N.
Identifiers: ClinVar variation 2429570 (VCV002429570.1), dbSNP rs2522709600, ClinGen allele CA413245160.